The following is an entry in ClinVar:

ClinVar aggregate classification (germline): Uncertain significance (1 of 4 stars; one submission).

Conditions:
Familial thoracic aortic aneurysm and aortic dissection (TAAD). Also called: Thoracic aortic aneurysms and dissections. Identifiers: Orphanet 91387, MedGen C4707243, MONDO:0019625.
Hereditary cancer-predisposing syndrome. Also called: Neoplastic Syndromes, Hereditary; Tumor predisposition; Hereditary neoplastic syndrome; Hereditary Cancer Syndrome. Identifiers: Orphanet 140162, MedGen C0027672, MeSH D009386, MONDO:0015356.

gnomAD v4.1: 1 of 1,614,082 alleles (0.000062%); highest among the groups gnomAD compares: Non-Finnish European, 0.000085%; no homozygotes.

Submission:

Ambry Genetics
Classification: Uncertain significance for Hereditary cancer-predisposing syndrome; Familial thoracic aortic aneurysm and aortic dissection. Last evaluated: 2025-04-21. Review status: criteria provided, single submitter. Criteria: Ambry Variant Classification Scheme 2023. Collection method: clinical testing. Allele origin: germline.
Comment: The p.M331T variant (also known as c.992T>C), located in coding exon 8 of the SMAD4 gene, results from a T to C substitution at nucleotide position 992. The methionine at codon 331 is replaced by threonine, an amino acid with similar properties. This amino acid position is highly conserved in available vertebrate species. In addition, this alteration is predicted to be deleterious by in silico analysis. Based on the available evidence, the clinical significance of this variant remains unclear.

NM_005359.6(SMAD4):c.992T>C (p.Met331Thr)

Gene: SMAD4 (SMAD family member 4; plus strand). Cytogenetic location: 18q21.2.
Variant type: single nucleotide variant.
Coding change: c.992T>C on transcript NM_005359.6 (MANE Select); coding-DNA position 992, T replaced by C.
Protein change: p.Met331Thr; replaces methionine 331 with threonine.
Molecular consequence: missense variant. On other transcripts: non-coding transcript variant (2).
Genome position (GRCh38, 1-based): chr18:51,065,459, T>C. VCF-style: chr18-51065459-T-C. GRCh37 (hg19) VCF-style: chr18-48591829-T-C.
Other names: c.992T>C, p.Met331Thr (NM_001407041.1, NM_001407042.1, NM_001407043.1); short protein forms M331T.
Identifiers: ClinVar variation 4042975 (VCV004042975.1).